The following is an entry in ClinVar:

NM_024301.5(FKRP):c.920A>G (p.Tyr307Cys)

Gene: FKRP (fukutin related protein; plus strand). Cytogenetic location: 19q13.32.
Variant type: single nucleotide variant.
Coding change: c.920A>G on transcript NM_024301.5 (MANE Select); coding-DNA position 920, A replaced by G.
Protein change: p.Tyr307Cys; replaces tyrosine 307 with cysteine.
Molecular consequence: missense variant.
Genome position (GRCh38, 1-based): chr19:46,756,370, A>G. VCF-style: chr19-46756370-A-G. GRCh37 (hg19) VCF-style: chr19-47259627-A-G.
Other names: c.920A>G, p.Tyr307Cys (NM_001039885.3); short protein forms Y307C.
Identifiers: ClinVar variation 1028300 (VCV001028300.2), dbSNP rs762546512, ClinGen allele CA9532210.
Genomic context (GRCh38, chr19:46,756,370, plus strand): 5'-TCGGCTGCAACAAGGAGACCACGCGCTGCTTCGGAACCGTGGTGGGCGACACGCCCGCCT[A>G]CCTCTACGAGGAGCGCTGGACGCCCCCCTGCTGCCTGCGCGCGCTGCGCGAGACCGCCCG-3'
Protein context (NP_077277.1, residues 297-317): FGTVVGDTPA[Tyr307Cys]LYEERWTPPC

ClinVar aggregate classification (germline): Uncertain significance. Review status: criteria provided, multiple submitters, no conflicts (2 of 4 stars). 2 submissions from 2 submitters: Uncertain significance (2). Last evaluated 2024-01-01.

Conditions:
Muscular dystrophy-dystroglycanopathy (congenital with brain and eye anomalies), type A5. Also called: WALKER-WARBURG SYNDROME OR MUSCLE-EYE-BRAIN DISEASE, FKRP-RELATED; MUSCULAR DYSTROPHY-DYSTROGLYCANOPATHY (CONGENITAL WITH BRAIN AND EYE ANOMALIES), TYPE A, 5. Identifiers: Orphanet 588, Orphanet 899, MedGen C3150413, MONDO:0013157, OMIM 613153.
FKRP-related disorder. Also called: FKRP-related condition.

Allele frequency attached by ClinVar (database versions not stated): gnomAD exomes below 0.00001 and 0.00001; gnomAD 0.00001; ExAC 0.00006.

Submissions (2):

Daryl Scott Lab, Baylor College of Medicine
Classification: Uncertain significance for FKRP-related disorder. Last evaluated: 2024-01-01. Review status: criteria provided, single submitter. Criteria: ACMG Guidelines, 2015. Collection method: clinical testing. Allele origin: biparental. Observed: 1 homozygote.
Comment: PP3

Baylor Genetics
Classification: Uncertain significance for Muscular dystrophy-dystroglycanopathy (congenital with brain and eye anomalies), type A5. Last evaluated: 2020-03-19. Review status: criteria provided, single submitter. Criteria: ACMG Guidelines, 2015. Collection method: clinical testing. Allele origin: unknown. Affected: yes.
Comment: This variant was determined to be of uncertain significance according to ACMG Guidelines, 2015 [PMID:25741868].